The following is an entry in ClinVar:

NM_018076.5(ODAD2):c.2909G>A (p.Arg970His)

Gene: ODAD2 (outer dynein arm docking complex subunit 2; minus strand). Cytogenetic location: 10p12.1.
Variant type: single nucleotide variant.
Coding change: c.2909G>A on transcript NM_018076.5 (MANE Select); coding-DNA position 2909, G replaced by A.
Protein change: p.Arg970His; replaces arginine 970 with histidine.
Molecular consequence: missense variant.
Genome position (GRCh38, 1-based): chr10:27,860,737, C>T on the plus strand (G>A on the coding strand, the complement: ODAD2 is on the minus strand). VCF-style: chr10-27860737-C-T. GRCh37 (hg19) VCF-style: chr10-28149666-C-T.
Other names: c.2909G>A, p.Arg970His (NM_001290020.2); c.1484G>A, p.Arg495His (NM_001290021.2); c.1985G>A, p.Arg662His (NM_001312689.2); c.2909G>A (NM_018076.2); short protein forms R495H, R662H, R970H.
Identifiers: ClinVar variation 1056268 (VCV001056268.11), dbSNP rs772636599, ClinGen allele CA5453069.

ClinVar aggregate classification (germline): Uncertain significance. Review status: criteria provided, multiple submitters, no conflicts (2 of 4 stars). 4 submissions from 4 submitters: Uncertain significance (4). Last evaluated 2024-10-03.

Conditions:
Primary ciliary dyskinesia. Also called: Ciliary dyskinesia. Identifiers: Orphanet 244, MedGen C0008780, MONDO:0016575, HP:0012265.
Primary ciliary dyskinesia 23 (CILD23). Also called: CILIARY DYSKINESIA, PRIMARY, 23, WITH OR WITHOUT SITUS INVERSUS. Identifiers: Orphanet 244, MedGen C3809548, MONDO:0014193, OMIM 615451.

Allele frequency attached by ClinVar (database versions not stated): ExAC 0.00001; gnomAD exomes 0.00001; gnomAD 0.00004 and 0.00005; TOPMed 0.00005.
gnomAD v4.1: 21 of 1,614,026 alleles (0.0013%); highest among the groups gnomAD compares: African/African-American, 0.0093%; no homozygotes.

Submissions (4):

Blueprint Genetics
Classification: Uncertain significance. Last evaluated: 2024-10-03. Review status: criteria provided, single submitter. Criteria: ACMG Guidelines, 2015. Collection method: clinical testing. Allele origin: germline.

Labcorp Genetics (formerly Invitae), Labcorp
Classification: Uncertain significance for Primary ciliary dyskinesia 23. Last evaluated: 2024-05-22. Review status: criteria provided, single submitter. Criteria: Invitae Variant Classification Sherloc (09022015). Collection method: clinical testing. Allele origin: germline.
Comment: This sequence change replaces arginine, which is basic and polar, with histidine, which is basic and polar, at codon 970 of the ARMC4 protein (p.Arg970His). This variant is present in population databases (rs772636599, gnomAD 0.01%). This variant has not been reported in the literature in individuals affected with ARMC4-related conditions. ClinVar contains an entry for this variant (Variation ID: 1056268). Algorithms developed to predict the effect of missense changes on protein structure and function output the following: SIFT: "Not Available"; PolyPhen-2: "Benign"; Align-GVGD: "Not Available". The histidine amino acid residue is found in multiple mammalian species, which suggests that this missense change does not adversely affect protein function. In summary, the available evidence is currently insufficient to determine the role of this variant in disease. Therefore, it has been classified as a Variant of Uncertain Significance.

Ambry Genetics
Classification: Uncertain significance for Primary ciliary dyskinesia. Last evaluated: 2024-01-17. Review status: criteria provided, single submitter. Criteria: Ambry Variant Classification Scheme 2023. Collection method: clinical testing. Allele origin: germline.
Comment: The p.R970H variant (also known as c.2909G>A), located in coding exon 18 of the ARMC4 gene, results from a G to A substitution at nucleotide position 2909. The arginine at codon 970 is replaced by histidine, an amino acid with highly similar properties. This amino acid position is conserved. In addition, this alteration is predicted to be tolerated by in silico analysis. Based on the available evidence, the clinical significance of this alteration remains unclear.

GeneDx
Classification: Uncertain significance. Last evaluated: 2022-01-12. Review status: criteria provided, single submitter. Criteria: GeneDx Variant Classification Process June 2021. Collection method: clinical testing. Allele origin: germline. Affected: yes.
Comment: In silico analysis supports that this missense variant does not alter protein structure/function; Has not been previously published as pathogenic or benign to our knowledge